The following is an entry in ClinVar:

ClinVar aggregate classification (germline): Uncertain significance (1 of 4 stars; one submission).

Conditions:
Severe X-linked myotubular myopathy (CNMX). Also called: MYOTUBULAR MYOPATHY 1; X-linked centronuclear myopathy; Myotubular myopathy, X-linked. Identifiers: Orphanet 596, MedGen C0410203, MONDO:0010683, OMIM 310400.

Allele frequency attached by ClinVar (database versions not stated): gnomAD exomes below 0.00001.
gnomAD v4.1: 2 of 1,211,224 alleles (0.00017%); highest among the groups gnomAD compares: Admixed American, 0.0043%; no homozygotes.

Submission:

Labcorp Genetics (formerly Invitae), Labcorp
Classification: Uncertain significance for Severe X-linked myotubular myopathy. Last evaluated: 2022-02-04. Review status: criteria provided, single submitter. Criteria: Invitae Variant Classification Sherloc (09022015). Collection method: clinical testing. Allele origin: germline.
Comment: This sequence change replaces histidine, which is basic and polar, with glutamine, which is neutral and polar, at codon 181 of the MTM1 protein (p.His181Gln). This variant is not present in population databases (gnomAD no frequency). This variant has not been reported in the literature in individuals affected with MTM1-related conditions. ClinVar contains an entry for this variant (Variation ID: 663498). Algorithms developed to predict the effect of missense changes on protein structure and function (SIFT, PolyPhen-2, Align-GVGD) all suggest that this variant is likely to be tolerated. Algorithms developed to predict the effect of sequence changes on RNA splicing suggest that this variant may create or strengthen a splice site. In summary, the available evidence is currently insufficient to determine the role of this variant in disease. Therefore, it has been classified as a Variant of Uncertain Significance.

NM_000252.3(MTM1):c.543C>G (p.His181Gln)

Gene: MTM1 (myotubularin 1; plus strand). Cytogenetic location: Xq28.
Variant type: single nucleotide variant.
Coding change: c.543C>G on transcript NM_000252.3 (MANE Select); coding-DNA position 543, C replaced by G.
Protein change: p.His181Gln; replaces histidine 181 with glutamine.
Molecular consequence: missense variant.
Genome position (GRCh38, 1-based): chrX:150,641,283, C>G. VCF-style: chrX-150641283-C-G. GRCh37 (hg19) VCF-style: chrX-149809756-C-G.
Other names: c.543C>G, p.His181Gln (NM_001376906.1, NM_001376908.1); c.432C>G, p.His144Gln (NM_001376907.1); short protein forms H181Q, H144Q.
Identifiers: ClinVar variation 663498 (VCV000663498.8), dbSNP rs1603187692, ClinGen allele CA415255974.